The following is an entry in ClinVar:

ClinVar aggregate classification (germline): Uncertain significance. Review status: criteria provided, multiple submitters, no conflicts (2 of 4 stars). 2 submissions from 2 submitters: Uncertain significance (2). Last evaluated 2025-12-24.

Conditions:
Epidermolysis bullosa simplex with nail dystrophy (EBS5D). Identifiers: MedGen C4225309, MONDO:0014661, OMIM 616487.
Epidermolysis bullosa simplex 5C, with pyloric atresia (EBS5C). Also called: PLEC-Related Epidermolysis Bullosa with Pyloric Atresia; Epidermolysis bullosa simplex with pyloric atresia; PLEC1-Related Epidermolysis Bullosa with Pyloric Atresia. Identifiers: Orphanet 158684, MedGen C2677349, MONDO:0012807, OMIM 612138.
Autosomal recessive limb-girdle muscular dystrophy type 2Q (LGMDR17). Also called: MUSCULAR DYSTROPHY, LIMB-GIRDLE, AUTOSOMAL RECESSIVE 17. Identifiers: Orphanet 254361, MedGen C3150989, MONDO:0013390, OMIM 613723.
Epidermolysis bullosa simplex, Ogna type (EBS5A). Also called: Pidermolysis bullosa simplex 5A, Ogna type; EPIDERMOLYSIS BULLOSA SIMPLEX 5A, OGNA TYPE. Identifiers: Orphanet 79401, MedGen C0432317, MONDO:0007555, OMIM 131950.
Epidermolysis bullosa simplex 5B, with muscular dystrophy (EBS5B). Also called: EPIDERMOLYSIS BULLOSA SIMPLEX AND LIMB-GIRDLE MUSCULAR DYSTROPHY; Epidermolysis bullosa simplex with muscular dystrophy. Identifiers: Orphanet 257, MedGen C2931072, MONDO:0009181, OMIM 226670.
Junctional epidermolysis bullosa with pyloric atresia. Also called: EB-PA-ACC; APLASIA CUTIS CONGENITA WITH GASTROINTESTINAL ATRESIA; CARMI SYNDROME; Epidermolysis bullosa junctionalis with pyloric atresia; ITGB4-Related Epidermolysis Bullosa with Pyloric Atresia; ITGA6-Related Epidermolysis Bullosa with Pyloric Atresia. Identifiers: Orphanet 79403, MedGen C5676875, MONDO:0009183, OMIM 226730.

Allele frequency attached by ClinVar (database versions not stated): ExAC 0.00003; gnomAD 0.00005; TOPMed 0.00006; ESP Exome Variant Server 0.00008.
gnomAD v4.1: 85 of 1,609,390 alleles (0.0053%); highest among the groups gnomAD compares: African/African-American, 0.0093%; 1 homozygote.

Submissions (2):

Labcorp Genetics (formerly Invitae), Labcorp
Classification: Uncertain significance for Autosomal recessive limb-girdle muscular dystrophy type 2Q; Epidermolysis bullosa simplex, Ogna type; Epidermolysis bullosa simplex with nail dystrophy; Epidermolysis bullosa simplex 5C, with pyloric atresia; Epidermolysis bullosa simplex 5B, with muscular dystrophy. Last evaluated: 2025-12-24. Review status: criteria provided, single submitter. Criteria: Invitae Variant Classification Sherloc (09022015). Collection method: clinical testing. Allele origin: germline.
Comment: This sequence change replaces alanine, which is neutral and non-polar, with valine, which is neutral and non-polar, at codon 2192 of the PLEC protein (p.Ala2192Val). This variant is present in population databases (rs377663841, gnomAD 0.02%). This variant has not been reported in the literature in individuals affected with PLEC-related conditions. ClinVar contains an entry for this variant (Variation ID: 2936294). An algorithm developed to predict the effect of missense changes on protein structure and function (PolyPhen-2) suggests that this variant is likely to be disruptive. In summary, the available evidence is currently insufficient to determine the role of this variant in disease. Therefore, it has been classified as a Variant of Uncertain Significance.

Department of Pathology and Laboratory Medicine, Sinai Health System
Classification: Uncertain significance for Epidermolysis bullosa simplex, Ogna type; Epidermolysis bullosa simplex 5B, with muscular dystrophy; Junctional epidermolysis bullosa with pyloric atresia; Epidermolysis bullosa simplex 5C, with pyloric atresia; Autosomal recessive limb-girdle muscular dystrophy type 2Q; Epidermolysis bullosa simplex with nail dystrophy. Last evaluated: 2023-03-10. Review status: criteria provided, single submitter. Criteria: ACMG Guidelines, 2015. Collection method: research. Allele origin: germline.

NM_201384.3(PLEC):c.6494C>T (p.Ala2165Val)

Gene: PLEC (plectin; minus strand). Cytogenetic location: 8q24.3.
Variant type: single nucleotide variant.
Coding change: c.6494C>T on transcript NM_201384.3 (MANE Select); coding-DNA position 6494, C replaced by T.
Protein change: p.Ala2165Val; replaces alanine 2165 with valine.
Molecular consequence: missense variant. On other transcripts: intron variant (1).
Genome position (GRCh38, 1-based): chr8:143,923,435, G>A on the plus strand (C>T on the coding strand, the complement: PLEC is on the minus strand). VCF-style: chr8-143923435-G-A. GRCh37 (hg19) VCF-style: chr8-144997603-G-A.
Other names: c.6575C>T, p.Ala2192Val (NM_000445.5); c.6452C>T, p.Ala2151Val (NM_201378.4); c.6428C>T, p.Ala2143Val (NM_201379.3); c.6905C>T, p.Ala2302Val (NM_201380.4); c.6398C>T, p.Ala2133Val (NM_201381.3); c.6494C>T, p.Ala2165Val (NM_201382.4); c.6506C>T, p.Ala2169Val (NM_201383.3); c.4126-1040C>T (NM_001410941.1); short protein forms A2133V, A2151V, A2165V, A2143V, A2302V, A2169V, A2192V.
Identifiers: ClinVar variation 2936294 (VCV002936294.4), dbSNP rs377663841, ClinGen allele CA4925968.